The following is an entry in ClinVar:

ClinVar aggregate classification (germline): Pathogenic. Review status: criteria provided, multiple submitters, no conflicts (2 of 4 stars). 3 submissions from 3 submitters: Pathogenic (3). Last evaluated 2026-06-29.

Conditions:
Hereditary cancer-predisposing syndrome. Also called: Neoplastic Syndromes, Hereditary; Hereditary Cancer Syndrome; Tumor predisposition; Hereditary neoplastic syndrome. Identifiers: Orphanet 140162, MedGen C0027672, MeSH D009386, MONDO:0015356.
Hereditary breast ovarian cancer syndrome. Also called: Hereditary breast and ovarian cancer syndrome (HBOC); Hereditary breast and/or ovarian cancer syndrome; Hereditary breast and ovarian cancer syndrome; BRCA1- and BRCA2-Associated Hereditary Breast and Ovarian Cancer; Hereditary breast and ovarian cancer; Breast and ovarian cancer. Identifiers: Orphanet 145, MedGen C0677776, MeSH D061325, MONDO:0003582. Disease mechanism: loss of function.
Inherited breast cancer and ovarian cancer.

Submissions (3):

Genetics Laboratory, Great Ormond Street Hospital NHS Foundation Trust, North Thames Genomic Laboratory Hub
Classification: Pathogenic for Inherited breast cancer and ovarian cancer. Last evaluated: 2026-06-29. Review status: criteria provided, single submitter. Criteria: CanVIG BRCA Gene Specific V1.22. Collection method: clinical testing. Allele origin: germline. Affected: yes.
Comment: PM2_moderate, PVS1_very-strong, PM5_strong

Labcorp Genetics (formerly Invitae), Labcorp
Classification: Pathogenic for Hereditary breast ovarian cancer syndrome. Last evaluated: 2025-06-04. Review status: criteria provided, single submitter. Criteria: Invitae Variant Classification Sherloc (09022015). Collection method: clinical testing. Allele origin: germline.
Comment: This sequence change creates a premature translational stop signal (p.Asn372Ilefs*27) in the BRCA2 gene. It is expected to result in an absent or disrupted protein product. Loss-of-function variants in BRCA2 are known to be pathogenic (PMID: 20104584). This variant is not present in population databases (gnomAD no frequency). This variant has not been reported in the literature in individuals affected with BRCA2-related conditions. ClinVar contains an entry for this variant (Variation ID: 948961). For these reasons, this variant has been classified as Pathogenic.

Color Diagnostics, LLC DBA Color Health
Classification: Pathogenic for Hereditary cancer-predisposing syndrome. Last evaluated: 2022-04-05. Review status: criteria provided, single submitter. Criteria: ACMG Guidelines, 2015. Collection method: clinical testing. Allele origin: germline.
Comment: This variant deletes 1 nucleotide in exon 10 of the BRCA2 gene, creating a frameshift and premature translation stop signal. This variant is expected to result in an absent or non-functional protein product. To our knowledge, this variant has not been reported in individuals affected with hereditary cancer in the literature. This variant has not been identified in the general population by the Genome Aggregation Database (gnomAD). Loss of BRCA2 function is a known mechanism of disease. Based on the available evidence, this variant is classified as Pathogenic.

Literature cited by the submitters: PubMed 20104584 (cited by Labcorp Genetics (formerly Invitae), Labcorp).

NM_000059.4(BRCA2):c.1115del (p.Asn372fs)

Gene: BRCA2 (BRCA2 DNA repair associated; plus strand). Cytogenetic location: 13q13.1.
Variant type: Deletion.
Coding change: c.1115del on transcript NM_000059.4 (MANE Select); coding-DNA position 1115, one base deleted (A; older notation c.1115delA).
Protein change: p.Asn372fs; shifts the reading frame from asparagine 372.
Molecular consequence: frameshift variant.
Genome position (GRCh38, 1-based): chr13:32,332,593, A deleted; the last of 3 consecutive A bases (chr13:32,332,591-32,332,593); deleting any one gives the same sequence. VCF-style (leftmost placement, unchanged base first): chr13-32332590-CA-C. GRCh37 (hg19) VCF-style: chr13-32906727-CA-C.
Other names: short protein forms N372fs.
Identifiers: ClinVar variation 948961 (VCV000948961.11), dbSNP rs2072404504, ClinGen allele CA1139663104.